The following is an entry in ClinVar:

NM_001999.4(FBN2):c.6200_6201del (p.Cys2067fs)

Gene: FBN2 (fibrillin 2; minus strand). Cytogenetic location: 5q23.3.
Variant type: Deletion.
Coding change: c.6200_6201del on transcript NM_001999.4 (MANE Select); coding-DNA positions 6200 to 6201, 2 bases deleted (GT; older notation c.6200_6201delGT).
Protein change: p.Cys2067fs; shifts the reading frame from cysteine 2067.
Molecular consequence: frameshift variant.
Genome position (GRCh38, 1-based): chr5:128,291,620-128,291,621, AC deleted on the plus strand (GT on the coding strand, the reverse complement: FBN2 is on the minus strand); deleting any 2 consecutive bases within chr5:128,291,620-128,291,622 gives the same sequence; the c. name uses the placement nearest the transcript's 3' end. VCF-style (leftmost placement, unchanged base first): chr5-128291619-GAC-G. GRCh37 (hg19) VCF-style: chr5-127627311-GAC-G.
Other names: short protein forms C2067fs.
Identifiers: ClinVar variation 4531965 (VCV004531965.1).

ClinVar aggregate classification (germline): Uncertain significance (1 of 4 stars; one submission).

Conditions:
Congenital contractural arachnodactyly (CCA). Also called: BEALS SYNDROME; Arthrogryposis, distal, type 9; Beals-Hecht syndrome. Identifiers: Orphanet 115, MedGen C0220668, MONDO:0007363, OMIM 121050.

Submission:

Victorian Clinical Genetics Services, Murdoch Childrens Research Institute
Classification: Uncertain significance for Congenital contractural arachnodactyly. Last evaluated: 2025-10-09. Review status: criteria provided, single submitter. Criteria: ACMG Guidelines, 2015. Collection method: clinical testing. Allele origin: germline. Affected: yes.
Comment: This variant is classified as VUS-3B. Evidence in support of pathogenic classification: Variant is predicted to cause nonsense-mediated decay (NMD) and loss of protein (premature termination codon is located at least 54 nucleotides upstream of the final exon-exon junction); Variant is absent from gnomAD (v2, v3 and v4). Additional information: This variant is heterozygous; This gene is associated with autosomal dominant disease. There are also rare reports of a severe form of congenital contractural arachnodactyly due to biallelic variants (PMID: 33571691); This variant has no previous evidence of pathogenicity; No published evidence of segregation with disease has been identified for this variant; No published functional evidence has been identified for this variant; Other NMD predicted variants comparable to the one identified in this case have inconclusive previous evidence for pathogenicity. The majority of NMD-predicted variants in ClinVar are classifed as VUS, while several are classified as pathogenic/likely pathogenic or have conflicting VUS entries. Some of these variants were identified in individuals with contractures or multiple spontaneous pneumothorax, and p.(Glu1328X) was also identified in the proband's maternal grandmother who has contractures (ClinVar, GeneDx personal communication, Greenwood Genetic Centre personal communication). There are limited reports of NMD-predicted variants in the literature and loss of function is not an established mechanism of disease (PMID: 11754102, 40406865, 20301560) - The mechanism of disease for this gene is not clearly established. However, dominant negative is a likely mechanism of disease (PMID: 31316167), and loss of function has recently been suggested as a possible mechanism of disease although additional functional studies are required to confirm this hypothesis (PMID: 20301560); Variants in this gene are known to have variable expressivity. Intrafamilial and interfamilial variability are well reported for this gene (PMID: 20301560).

Literature cited by the submitters: PubMed 31316167; PubMed 20301560; PubMed 11754102; PubMed 33571691; PubMed 40406865.